The following is an entry in ClinVar:

NM_000439.5(PCSK1):c.*265T>C

Genes: PCSK1 (proprotein convertase subtilisin/kexin type 1; minus strand), CAST (calpastatin; plus strand), LOC101929710 (uncharacterized LOC101929710; plus strand). Cytogenetic location: 5q15.
Variant type: single nucleotide variant.
Coding change: c.*265T>C on transcript NM_000439.5 (MANE Select); 265 bases downstream of the stop codon, T replaced by C.
Molecular consequence: 3 prime UTR variant.
Genome position (GRCh38, 1-based): chr5:96,392,736, A>G on the plus strand (T>C on the coding strand, the complement: PCSK1 is on the minus strand). VCF-style: chr5-96392736-A-G. GRCh37 (hg19) VCF-style: chr5-95728440-A-G.
Other names: c.*265T>C (NM_001177875.2).
Identifiers: ClinVar variation 354634 (VCV000354634.9), dbSNP rs3811942, ClinGen allele CA10622481.
Genomic context (GRCh38, chr5:96,392,736, plus strand): 5'-TTTTGAGAATTGAAATGGGCTCTAATGCAGTGTTCTAATGTAGTGTAAGAGCTTTTTGTC[A>G]ACTGTGACTCCAGAAAGAACAAAACACTTCACTTGTGCAGACAGGAAAGATGTGTTTTGA-3'

ClinVar aggregate classification (germline): Benign/Likely benign. Review status: criteria provided, multiple submitters, no conflicts (2 of 4 stars). 3 submissions from 3 submitters: Benign (2); Likely benign (1). Last evaluated 2018-11-12.

Conditions:
Obesity due to prohormone convertase I deficiency. Also called: OBESITY AND ENDOCRINOPATHY DUE TO IMPAIRED PROCESSING OF PROHORMONES. Identifiers: Orphanet 71528, MedGen C1833053, MONDO:0010961, OMIM 600955.

Allele frequency attached by ClinVar (database versions not stated): 1000 Genomes Project 30x 0.16177; 1000 Genomes Project 0.16673; TOPMed 0.17950; gnomAD 0.20126 and 0.20188; gnomAD exomes 0.23941.
gnomAD v4.1: 115,164 of 505,378 alleles (23%); highest among the groups gnomAD compares: Non-Finnish European, 26%; 14,749 homozygotes.

Submissions (3):

GeneDx
Classification: Benign. Last evaluated: 2018-11-12. Review status: criteria provided, single submitter. Criteria: GeneDx Variant Classification Process June 2021. Collection method: clinical testing. Allele origin: germline. Affected: yes.

Illumina Laboratory Services, Illumina
Classification: Benign for Obesity due to prohormone convertase I deficiency. Last evaluated: 2018-01-13. Review status: criteria provided, single submitter. Criteria: ICSL Variant Classification Criteria 13 December 2019. Collection method: clinical testing. Allele origin: germline.
Comment: This variant was observed in the ICSL laboratory as part of a predisposition screen in an ostensibly healthy population. It had not been previously curated by ICSL or reported in the Human Gene Mutation Database (HGMD: prior to June 1st, 2018), and was therefore a candidate for classification through an automated scoring system. Utilizing variant allele frequency, disease prevalence and penetrance estimates, and inheritance mode, an automated score was calculated to assess if this variant is too frequent to cause the disease. Based on the score and internal cut-off values, a variant classified as benign is not then subjected to further curation. The score for this variant resulted in a classification of benign for this disease.

Breakthrough Genomics
Classification: Likely benign. Review status: criteria provided, single submitter. Criteria: ACMG Guidelines, 2015. Collection method: not provided. Allele origin: germline. Inheritance: Autosomal recessive inheritance. Affected: yes.